The following is an entry in ClinVar:

NM_031475.3(ESPN):c.2504G>A (p.Ser835Asn)

Gene: ESPN (espin; plus strand). Cytogenetic location: 1p36.31.
Variant type: single nucleotide variant.
Coding change: c.2504G>A on transcript NM_031475.3 (MANE Select); coding-DNA position 2504, G replaced by A.
Protein change: p.Ser835Asn; replaces serine 835 with asparagine.
Molecular consequence: missense variant.
Genome position (GRCh38, 1-based): chr1:6,460,085, G>A. VCF-style: chr1-6460085-G-A. GRCh37 (hg19) VCF-style: chr1-6520145-G-A.
Other names: c.2414G>A, p.Ser805Asn (NM_001367473.1); c.2441G>A, p.Ser814Asn (NM_001367474.1); short protein forms S835N, S814N, S805N.
Identifiers: ClinVar variation 163414 (VCV000163414.9), dbSNP rs727503039, ClinGen allele CA176055.
Genomic context (GRCh38, chr1:6,460,085, plus strand): 5'-AGGAGCTGCGGCGGGAGAAGGAACAGTCAGAGAAGCTGCGGACGCTGGGCTACGATGAGA[G>A]CAAGCTGGCGCCCTGGCAGCGACAGGTCATCCTGAAGAAGGGGGACATCGCTAAGTACTA-3'
Protein context (NP_113663.2, residues 825-845): EKLRTLGYDE[Ser835Asn]KLAPWQRQVI

ClinVar aggregate classification (germline): Uncertain significance. Review status: criteria provided, multiple submitters, no conflicts (2 of 4 stars). 4 submissions from 4 submitters: Uncertain significance (4). Last evaluated 2025-03-08.

Conditions:
Inborn genetic diseases. Identifiers: MedGen C0950123, MeSH D030342.

Allele frequency attached by ClinVar (database versions not stated): gnomAD exomes 0.00001 and 0.00005; ExAC 0.00003; TOPMed 0.00016; gnomAD 0.00017 and 0.00018.
gnomAD v4.1: 44 of 1,613,316 alleles (0.0027%); highest among the groups gnomAD compares: African/African-American, 0.053%; no homozygotes.

Submissions (4):

Ambry Genetics
Classification: Uncertain significance for Inborn genetic diseases. Last evaluated: 2025-03-08. Review status: criteria provided, single submitter. Criteria: Ambry Variant Classification Scheme 2023. Collection method: clinical testing. Allele origin: germline.

Blueprint Genetics
Classification: Uncertain significance. Last evaluated: 2022-03-29. Review status: criteria provided, single submitter. Criteria: ACMG Guidelines, 2015. Collection method: clinical testing. Allele origin: germline.

GeneDx
Classification: Uncertain significance. Last evaluated: 2020-09-22. Review status: criteria provided, single submitter. Criteria: GeneDx Variant Classification Process June 2021. Collection method: clinical testing. Allele origin: germline. Affected: yes.
Comment: In silico analysis, which includes protein predictors and evolutionary conservation, supports that this variant does not alter protein structure/function; Has not been previously published as pathogenic or benign to our knowledge

Laboratory for Molecular Medicine, Mass General Brigham Personalized Medicine
Classification: Uncertain significance. Last evaluated: 2013-11-06. Review status: criteria provided, single submitter. Criteria: LMM Criteria. Collection method: clinical testing. Allele origin: germline. Observed: 1 variant allele.
Comment: Variant classified as Uncertain Significance - Favor Benign. The Ser835Asn varia nt in ESPN has not been previously reported in individuals with hearing loss or in large population studies. The serine (Ser) residue at position 835 is poorly conserved across mammals and distant species, and computational analyses (bioche mical amino acid properties, AlignGVGD, PolyPhen2, and SIFT) suggest that the va riant may not impact the protein. However, this information is not predictive en ough to rule out a pathogenic role. In summary, the clinical significance of thi s variant cannot be determined with certainty; however based upon the conservati on and computational data, we lean towards a more likely benign role.